The following is an entry in ClinVar:

ClinVar aggregate classification (germline): Uncertain significance (1 of 4 stars; one submission).

gnomAD v4.1: 2 of 1,611,152 alleles (0.00012%); highest among the groups gnomAD compares: African/African-American, 0.0027%; no homozygotes.

Submission:

Labcorp Genetics (formerly Invitae), Labcorp
Classification: Uncertain significance. Last evaluated: 2024-09-23. Review status: criteria provided, single submitter. Criteria: Invitae Variant Classification Sherloc (09022015). Collection method: clinical testing. Allele origin: germline.
Comment: This sequence change affects a donor splice site in intron 25 of the FOCAD gene. It is expected to disrupt RNA splicing. Variants that disrupt the donor or acceptor splice site typically lead to a loss of protein function (PMID: 16199547), however the current clinical and genetic evidence is not sufficient to establish whether loss-of-function variants in FOCAD cause disease. This variant is not present in population databases (gnomAD no frequency). This variant has not been reported in the literature in individuals affected with FOCAD-related conditions. Algorithms developed to predict the effect of sequence changes on RNA splicing suggest that this variant may disrupt the consensus splice site. In summary, the available evidence is currently insufficient to determine the role of this variant in disease. Therefore, it has been classified as a Variant of Uncertain Significance.

Literature cited by the submitters: PubMed 16199547.

NM_001375567.1(FOCAD):c.2807+2T>G

Gene: FOCAD (focadhesin; plus strand). Cytogenetic location: 9p21.3.
Variant type: single nucleotide variant.
Coding change: c.2807+2T>G on transcript NM_001375567.1 (MANE Select); the canonical splice donor site of the intron after coding-DNA position 2807, T replaced by G.
Molecular consequence: splice donor variant.
Genome position (GRCh38, 1-based): chr9:20,912,956, T>G. VCF-style: chr9-20912956-T-G. GRCh37 (hg19) VCF-style: chr9-20912955-T-G.
Other names: c.2807+2T>G (NM_017794.5); c.2702+2T>G (NM_001375568.1, NM_001375570.1).
Identifiers: ClinVar variation 3632965 (VCV003632965.2).
Genomic context (GRCh38, chr9:20,912,956, plus strand): 5'-AAACATGGAAAAGAAGAACCTGAGGAGGTGCAGTACAAAAAAAGCACAGCCTGGCTCTGG[T>G]AAGTGTTCATGTTCAGCTGCCCATTATTTGTCATGGGAAGTGAGCTATGAGGGGAAAGGT-3'